The following is an entry in ClinVar:

ClinVar aggregate classification (germline): Uncertain significance (1 of 4 stars; one submission).

Allele frequency attached by ClinVar (database versions not stated): TOPMed below 0.00001; gnomAD 0.00001.
gnomAD v4.1: 1 of 1,613,836 alleles (0.000062%); highest among the groups gnomAD compares: Admixed American, 0.0017%; no homozygotes.

Submission:

GeneDx
Classification: Uncertain significance. Last evaluated: 2022-11-29. Review status: criteria provided, single submitter. Criteria: GeneDx Variant Classification Process June 2021. Collection method: clinical testing. Allele origin: germline. Affected: yes.
Comment: Not observed at significant frequency in large population cohorts (gnomAD); In silico analysis supports that this missense variant has a deleterious effect on protein structure/function; Has not been previously published as pathogenic or benign to our knowledge

NM_014141.6(CNTNAP2):c.1349G>A (p.Gly450Asp)

Gene: CNTNAP2 (contactin associated protein 2; plus strand). Cytogenetic location: 7q35.
Variant type: single nucleotide variant.
Coding change: c.1349G>A on transcript NM_014141.6 (MANE Select); coding-DNA position 1349, G replaced by A.
Protein change: p.Gly450Asp; replaces glycine 450 with aspartic acid.
Molecular consequence: missense variant.
Genome position (GRCh38, 1-based): chr7:147,300,141, G>A. VCF-style: chr7-147300141-G-A. GRCh37 (hg19) VCF-style: chr7-146997233-G-A.
Other names: short protein forms G450D.
Identifiers: ClinVar variation 2503209 (VCV002503209.1), dbSNP rs1473335811, ClinGen allele CA369925034.